The following is an entry in ClinVar:

NM_000255.4(MMUT):c.1369A>T (p.Lys457Ter)

Gene: MMUT (methylmalonyl-CoA mutase; minus strand). Cytogenetic location: 6p12.3.
Variant type: single nucleotide variant.
Coding change: c.1369A>T on transcript NM_000255.4 (MANE Select); coding-DNA position 1369, A replaced by T.
Protein change: p.Lys457Ter; replaces lysine 457 with a stop codon.
Molecular consequence: nonsense.
Genome position (GRCh38, 1-based): chr6:49,448,891, T>A on the plus strand (A>T on the coding strand, the complement: MMUT is on the minus strand). VCF-style: chr6-49448891-T-A. GRCh37 (hg19) VCF-style: chr6-49416604-T-A.
Other names: short protein forms K457*.
Identifiers: ClinVar variation 984145 (VCV000984145.3), dbSNP rs1767478925, ClinGen allele CA364398166.

ClinVar aggregate classification (germline): Likely pathogenic (1 of 4 stars; one submission).

Conditions:
Methylmalonic aciduria due to methylmalonyl-CoA mutase deficiency (MAMM). Also called: Methylmalonic aciduria, mut type. Identifiers: Orphanet 27, MedGen C1855114, MONDO:0009612, OMIM 251000.

Submission:

Myriad Genetics, Inc.
Classification: Likely pathogenic for Methylmalonic aciduria due to methylmalonyl-CoA mutase deficiency. Last evaluated: 2019-12-18. Review status: criteria provided, single submitter. Criteria: Myriad Women's Health Autosomal Recessive and X-Linked Classification Criteria (2019). Collection method: clinical testing. Allele origin: unknown.
Comment: NM_000255.3(MUT):c.1369A>T(K457*) is expected to be pathogenic in the context of MUT-related methylmalonic acidemia. This variant is predicted to lead to an abnormal or absent protein product due to the creation of a premature termination codon in MUT, a gene where loss-of-function variants are known to be pathogenic. Please note: this variant was assessed in the context of healthy population screening.